The following is an entry in ClinVar:

NM_001134407.3(GRIN2A):c.4169C>A (p.Ser1390Ter)

Gene: GRIN2A (glutamate ionotropic receptor NMDA type subunit 2A; minus strand). Cytogenetic location: 16p13.2.
Variant type: single nucleotide variant.
Coding change: c.4169C>A on transcript NM_001134407.3 (MANE Select); coding-DNA position 4169, C replaced by A.
Protein change: p.Ser1390Ter; replaces serine 1390 with a stop codon.
Molecular consequence: nonsense. On other transcripts: missense variant (1).
Genome position (GRCh38, 1-based): chr16:9,763,375, G>T on the plus strand (C>A on the coding strand, the complement: GRIN2A is on the minus strand). VCF-style: chr16-9763375-G-T. GRCh37 (hg19) VCF-style: chr16-9857232-G-T.
Other names: c.4169C>A, p.Ser1390Ter (NM_000833.5); c.3826C>A, p.Arg1276Ser (NM_001134408.2); short protein forms R1276S, S1390*.
Identifiers: ClinVar variation 3522689 (VCV003522689.1).

ClinVar aggregate classification (germline): Uncertain significance (1 of 4 stars; one submission).

Conditions:
Inborn genetic diseases. Identifiers: MedGen C0950123, MeSH D030342.

Submission:

Ambry Genetics
Classification: Uncertain significance for Inborn genetic diseases. Last evaluated: 2024-12-03. Review status: criteria provided, single submitter. Criteria: Ambry Variant Classification Scheme 2023. Collection method: clinical testing. Allele origin: germline.
Comment: The c.4169C>A (p.S1390*) alteration, located in exon 14 (coding exon 12) of the GRIN2A gene, consists of a C to A substitution at nucleotide position 4169. This changes the amino acid from a serine (S) to a stop codon at amino acid position 1390. This alteration occurs at the 3' terminus of the GRIN2A gene, is not expected to trigger nonsense-mediated mRNA decay, and only impacts the last 4.99% of the protein. The exact functional effect of this alteration is unknown. This variant was not reported in population-based cohorts in the Genome Aggregation Database (gnomAD). Based on insufficient or conflicting evidence, the clinical significance of this alteration remains unclear.